The following is an entry in ClinVar:

ClinVar aggregate classification (germline): Uncertain significance. Review status: criteria provided, multiple submitters, no conflicts (2 of 4 stars). 2 submissions from 2 submitters: Uncertain significance (2). Last evaluated 2025-09-26.

Conditions:
Inborn genetic diseases. Identifiers: MedGen C0950123, MeSH D030342.

Allele frequency attached by ClinVar (database versions not stated): TOPMed 0.00001.

Submissions (2):

Ambry Genetics
Classification: Uncertain significance for Inborn genetic diseases. Last evaluated: 2025-09-26. Review status: criteria provided, single submitter. Criteria: Ambry Variant Classification Scheme 2023. Collection method: clinical testing. Allele origin: germline.

Labcorp Genetics (formerly Invitae), Labcorp
Classification: Uncertain significance. Last evaluated: 2022-11-01. Review status: criteria provided, single submitter. Criteria: Invitae Variant Classification Sherloc (09022015). Collection method: clinical testing. Allele origin: germline.
Comment: This sequence change replaces threonine, which is neutral and polar, with isoleucine, which is neutral and non-polar, at codon 267 of the TANGO2 protein (p.Thr267Ile). In summary, the available evidence is currently insufficient to determine the role of this variant in disease. Therefore, it has been classified as a Variant of Uncertain Significance. Algorithms developed to predict the effect of missense changes on protein structure and function are either unavailable or do not agree on the potential impact of this missense change (SIFT: "Not Available"; PolyPhen-2: "Possibly Damaging"; Align-GVGD: "Not Available"). ClinVar contains an entry for this variant (Variation ID: 1491707). This variant has not been reported in the literature in individuals affected with TANGO2-related conditions. This variant is not present in population databases (gnomAD no frequency).

NM_152906.7(TANGO2):c.800C>T (p.Thr267Ile)

Gene: TANGO2 (transport and golgi organization 2 homolog; plus strand). Cytogenetic location: 22q11.21.
Variant type: single nucleotide variant.
Coding change: c.800C>T on transcript NM_152906.7 (MANE Select); coding-DNA position 800, C replaced by T.
Protein change: p.Thr267Ile; replaces threonine 267 with isoleucine.
Molecular consequence: missense variant. On other transcripts: 3 prime UTR variant (7), non-coding transcript variant (5).
Genome position (GRCh38, 1-based): chr22:20,064,631, C>T. VCF-style: chr22-20064631-C-T. GRCh37 (hg19) VCF-style: chr22-20052154-C-T.
Other names: c.800C>T, p.Thr267Ile (NM_001283106.3, NM_001283116.3); c.923C>T, p.Thr308Ile (NM_001283129.3, NM_001322143.2); c.*39C>T (NM_001283148.3, NM_001283154.3, NM_001322144.2 and 2 more transcripts); c.614C>T, p.Thr205Ile (NM_001283179.3, NM_001283186.3, NM_001322163.2 and 2 more transcripts); c.575C>T, p.Thr192Ile (NM_001283199.3); c.*67C>T (NM_001283215.3); c.506C>T, p.Thr169Ile (NM_001283235.3, NM_001322171.2, NM_001322172.2 and 3 more transcripts); c.*136C>T (NM_001283248.3); and 7 more; short protein forms T360I, T221I, T285I, T169I, T192I, T246I, T267I, T308I.
Identifiers: ClinVar variation 1491707 (VCV001491707.7), dbSNP rs1320755276, ClinGen allele CA410700669.